The following is an entry in ClinVar:

ClinVar aggregate classification (germline): Uncertain significance (1 of 4 stars; one submission).

Submission:

GeneDx
Classification: Uncertain significance. Last evaluated: 2024-11-03. Review status: criteria provided, single submitter. Criteria: GeneDx Variant Classification Process June 2021. Collection method: clinical testing. Allele origin: germline. Affected: yes.
Comment: Not observed at significant frequency in large population cohorts (gnomAD); In silico analysis indicates that this missense variant does not alter protein structure/function; Has not been previously published as pathogenic or benign to our knowledge

NM_001368397.1(FRMPD4):c.826C>A (p.Pro276Thr)

Gene: FRMPD4 (FERM and PDZ domain containing 4; plus strand). Cytogenetic location: Xp22.2.
Variant type: single nucleotide variant.
Coding change: c.826C>A on transcript NM_001368397.1 (MANE Select); coding-DNA position 826, C replaced by A.
Protein change: p.Pro276Thr; replaces proline 276 with threonine.
Molecular consequence: missense variant.
Genome position (GRCh38, 1-based): chrX:12,694,347, C>A. VCF-style: chrX-12694347-C-A. GRCh37 (hg19) VCF-style: chrX-12712466-C-A.
Other names: c.937C>A, p.Pro313Thr (NM_001368395.3, NM_001368398.3); c.832C>A, p.Pro278Thr (NM_001368396.3); c.817C>A, p.Pro273Thr (NM_001368399.3); c.706C>A, p.Pro236Thr (NM_001368400.3); c.802C>A, p.Pro268Thr (NM_001368401.1, NM_001368402.3); c.826C>A, p.Pro276Thr (NM_014728.3); short protein forms P236T, P268T, P273T, P276T, P278T, P313T.
Identifiers: ClinVar variation 3897071 (VCV003897071.1).